The following is an entry in ClinVar:

ClinVar aggregate classification (germline): Likely benign. Review status: criteria provided, multiple submitters, no conflicts (2 of 4 stars). 7 submissions from 7 submitters: Likely benign (6). 1 of the submissions does not count toward it. Last evaluated 2025-09-15.

Conditions:
TPM1-related disorder. Also called: TPM1-related condition.
Cardiomyopathy (CMYO). Also called: Cardiomyopathies. Identifiers: Orphanet 167848, MedGen C0878544, MONDO:0004994, HP:0001638. Inheritance: Various modes of inheritance.
Hypertrophic cardiomyopathy. Also called: HYPERTROPHIC MYOCARDIOPATHY. Identifiers: Orphanet 217569, MedGen C0007194, MeSH D002312, MONDO:0005045, HP:0001639.

Allele frequency attached by ClinVar (database versions not stated): gnomAD 0.00001 and 0.00002; gnomAD exomes 0.00001 and 0.00007; TOPMed 0.00003; ExAC 0.00007.
gnomAD v4.1: 28 of 1,614,040 alleles (0.0017%); highest among the groups gnomAD compares: East Asian, 0.047%; no homozygotes.

Submissions (7):

Labcorp Genetics (formerly Invitae), Labcorp
Classification: Likely benign for Hypertrophic cardiomyopathy. Last evaluated: 2025-09-15. Review status: criteria provided, single submitter. Criteria: Invitae Variant Classification Sherloc (09022015). Collection method: clinical testing. Allele origin: germline.

PreventionGenetics, part of Exact Sciences
Classification: Likely benign for TPM1-related condition. Last evaluated: 2025-07-21. Review status: criteria provided, single submitter. Criteria: ACMG Guidelines, 2015. Collection method: clinical testing. Allele origin: germline.
Comment: This variant is classified as likely benign based on ACMG/AMP sequence variant interpretation guidelines (Richards et al. 2015 PMID: 25741868, with internal and published modifications).

All of Us Research Program, National Institutes of Health
Classification: Likely benign for Hypertrophic cardiomyopathy. Last evaluated: 2023-10-27. Review status: criteria provided, single submitter. Criteria: ACMG Guidelines, 2015. Collection method: clinical testing. Allele origin: germline. Inheritance: Autosomal dominant inheritance. Observed: 1 variant allele, 1 heterozygote.
Comment: This study involves interpretation of variants in research participants for the purpose of population health screening. Participant phenotype was not available at the time of variant classification. Additional details can be found in publication PMID: 35346344, PMCID: PMC8962531

Blueprint Genetics
Classification: Likely benign. Last evaluated: 2019-10-24. Review status: criteria provided, single submitter. Criteria: ACMG Guidelines, 2015. Collection method: clinical testing. Allele origin: germline.

Color Diagnostics, LLC DBA Color Health
Classification: Likely benign for Cardiomyopathy. Last evaluated: 2019-04-08. Review status: criteria provided, single submitter. Criteria: ACMG Guidelines, 2015. Collection method: clinical testing. Allele origin: germline.

CHEO Genetics Diagnostic Laboratory, Children's Hospital of Eastern Ontario
Classification: Likely benign for Cardiomyopathy. Last evaluated: 2018-06-01. Review status: criteria provided, single submitter. Criteria: ACMG Guidelines, 2015. Collection method: clinical testing. Allele origin: germline.

Laboratory for Molecular Medicine, Mass General Brigham Personalized Medicine
Classification: Likely benign. Last evaluated: 2008-03-01. Review status: no assertion criteria provided. Collection method: clinical testing. Allele origin: germline. Observed: 1 variant allele. Not counted in ClinVar's aggregate classification.

NM_001018005.2(TPM1):c.241-9T>C

Gene: TPM1 (tropomyosin 1; plus strand). Cytogenetic location: 15q22.2.
Variant type: single nucleotide variant.
Coding change: c.241-9T>C on transcript NM_001018005.2 (MANE Select); 9 bases into the intron before coding-DNA position 241, T replaced by C.
Molecular consequence: intron variant.
Genome position (GRCh38, 1-based): chr15:63,056,976, T>C. VCF-style: chr15-63056976-T-C. GRCh37 (hg19) VCF-style: chr15-63349175-T-C.
Other names: c.367-9T>C (NM_001365778.1); c.241-9T>C (NM_001018020.2, NM_001018007.2, NM_001018006.2 and 7 more transcripts); c.133-9T>C (NM_001330351.2, NM_001330344.2, NM_001018008.2 and 5 more transcripts).
Identifiers: ClinVar variation 43407 (VCV000043407.22), dbSNP rs377417143, ClinGen allele CA017903.